The following is an entry in ClinVar:

NM_001365276.2(TNXB):c.3321C>T (p.Pro1107=)

Gene: TNXB (tenascin XB; minus strand). Cytogenetic location: 6p21.33.
Variant type: single nucleotide variant.
Coding change: c.3321C>T on transcript NM_001365276.2 (MANE Select); coding-DNA position 3321, C replaced by T.
Protein change: p.Pro1107=; no amino-acid change (proline 1107 retained).
Molecular consequence: synonymous variant.
Genome position (GRCh38, 1-based): chr6:32,084,537, G>A on the plus strand (C>T on the coding strand, the complement: TNXB is on the minus strand). VCF-style: chr6-32084537-G-A. GRCh37 (hg19) VCF-style: chr6-32052314-G-A.
Other names: c.3321C>T, p.Pro1107= (NM_019105.8).
Identifiers: ClinVar variation 3030930 (VCV003030930.4), dbSNP rs1443329191, ClinGen allele CA449822897.

ClinVar aggregate classification (germline): Likely benign. Review status: criteria provided, multiple submitters, no conflicts (2 of 4 stars). 3 submissions from 3 submitters: Likely benign (2). 1 of the submissions does not count toward it. Last evaluated 2026-01-09.

Conditions:
Cardiovascular phenotype. Identifiers: MedGen CN230736.
TNXB-related disorder. Also called: TNXB-related condition.

Allele frequency attached by ClinVar (database versions not stated): TOPMed 0.00002; gnomAD 0.00003.
gnomAD v4.1: 21 of 1,608,608 alleles (0.0013%); highest among the groups gnomAD compares: Non-Finnish European, 0.0015%; no homozygotes.

Submissions (3):

Labcorp Genetics (formerly Invitae), Labcorp
Classification: Likely benign. Last evaluated: 2026-01-09. Review status: criteria provided, single submitter. Criteria: Invitae Variant Classification Sherloc (09022015). Collection method: clinical testing. Allele origin: germline.

Ambry Genetics
Classification: Likely benign for Cardiovascular phenotype. Last evaluated: 2024-10-08. Review status: criteria provided, single submitter. Criteria: Ambry Variant Classification Scheme 2023. Collection method: clinical testing. Allele origin: germline.

PreventionGenetics, part of Exact Sciences
Classification: Likely benign for TNXB-related condition. Last evaluated: 2023-03-08. Review status: no assertion criteria provided. Collection method: clinical testing. Allele origin: germline. Not counted in ClinVar's aggregate classification.
Comment: This variant is classified as likely benign based on ACMG/AMP sequence variant interpretation guidelines (Richards et al. 2015 PMID: 25741868, with internal and published modifications).